The following is an entry in ClinVar:

ClinVar aggregate classification (germline): Uncertain significance (1 of 4 stars; one submission).

Allele frequency attached by ClinVar (database versions not stated): TOPMed below 0.00001; gnomAD exomes 0.00001; ExAC 0.00002.

Submission:

Labcorp Genetics (formerly Invitae), Labcorp
Classification: Uncertain significance. Last evaluated: 2025-10-13. Review status: criteria provided, single submitter. Criteria: Invitae Variant Classification Sherloc (09022015). Collection method: clinical testing. Allele origin: germline.
Comment: This sequence change replaces leucine, which is neutral and non-polar, with valine, which is neutral and non-polar, at codon 28 of the CTSK protein (p.Leu28Val). This variant is present in population databases (rs774989958, gnomAD 0.02%). This variant has not been reported in the literature in individuals affected with CTSK-related conditions. ClinVar contains an entry for this variant (Variation ID: 2084202). Invitae Evidence Modeling of protein sequence and biophysical properties (such as structural, functional, and spatial information, amino acid conservation, physicochemical variation, residue mobility, and thermodynamic stability) indicates that this missense variant is not expected to disrupt CTSK protein function with a negative predictive value of 80%. Algorithms developed to predict the effect of sequence changes on RNA splicing suggest that this variant may create or strengthen a splice site. In summary, the available evidence is currently insufficient to determine the role of this variant in disease. Therefore, it has been classified as a Variant of Uncertain Significance.

NM_000396.4(CTSK):c.82C>G (p.Leu28Val)

Gene: CTSK (cathepsin K; minus strand). Cytogenetic location: 1q21.3.
Variant type: single nucleotide variant.
Coding change: c.82C>G on transcript NM_000396.4 (MANE Select); coding-DNA position 82, C replaced by G.
Protein change: p.Leu28Val; replaces leucine 28 with valine.
Molecular consequence: missense variant.
Genome position (GRCh38, 1-based): chr1:150,806,724, G>C on the plus strand (C>G on the coding strand, the complement: CTSK is on the minus strand). VCF-style: chr1-150806724-G-C. GRCh37 (hg19) VCF-style: chr1-150779200-G-C.
Other names: short protein forms L28V.
Identifiers: ClinVar variation 2084202 (VCV002084202.2), dbSNP rs774989958, ClinGen allele CA1080588.